The following is an entry in ClinVar:

NM_004855.5(PIGB):c.225C>A (p.Cys75Ter)

Gene: PIGB (phosphatidylinositol glycan anchor biosynthesis class B; plus strand). Cytogenetic location: 15q21.3.
Variant type: single nucleotide variant.
Coding change: c.225C>A on transcript NM_004855.5 (MANE Select); coding-DNA position 225, C replaced by A.
Protein change: p.Cys75Ter; replaces cysteine 75 with a stop codon.
Molecular consequence: nonsense.
Genome position (GRCh38, 1-based): chr15:55,320,336, C>A. VCF-style: chr15-55320336-C-A. GRCh37 (hg19) VCF-style: chr15-55612534-C-A.
Other names: c.225C>A (NM_004855.4); short protein forms C75*.
Identifiers: ClinVar variation 2988608 (VCV002988608.4), dbSNP rs1299941421, ClinGen allele CA392541283.
Genomic context (GRCh38, chr15:55,320,336, plus strand): 5'-TCTTCTTGGAGAAAATATTTATCTGCTCTTGTTTACCATAGCTTTACGAATATTAAACTG[C>A]TTTTTAGTGCAGACAAGTTTTGTTCCAGATGAATACTGGCAGTCTCTTGAAGTTTCACAT-3'

ClinVar aggregate classification (germline): Conflicting classifications of pathogenicity. Review status: criteria provided, conflicting classifications (1 of 4 stars). 2 submissions from 2 submitters: Pathogenic (1); Uncertain significance (1). Last evaluated 2024-05-08.

Allele frequency attached by ClinVar (database versions not stated): gnomAD exomes below 0.00001; TOPMed below 0.00001.
gnomAD v4.1: 2 of 1,612,930 alleles (0.00012%); highest among the groups gnomAD compares: African/African-American, 0.0027%; no homozygotes.

Submissions (2):

GeneDx
Classification: Uncertain significance. Last evaluated: 2024-05-08. Review status: criteria provided, single submitter. Criteria: GeneDx Variant Classification Process June 2021. Collection method: clinical testing. Allele origin: germline. Affected: yes.
Comment: Not observed at significant frequency in large population cohorts (gnomAD); Nonsense variant predicted to result in protein truncation or nonsense mediated decay in a gene or region of a gene for which loss of function is not a well-established mechanism of disease; Has not been previously published as pathogenic or benign to our knowledge

Labcorp Genetics (formerly Invitae), Labcorp
Classification: Pathogenic. Last evaluated: 2022-11-12. Review status: criteria provided, single submitter. Criteria: Invitae Variant Classification Sherloc (09022015). Collection method: clinical testing. Allele origin: germline.
Comment: This sequence change creates a premature translational stop signal (p.Cys75*) in the PIGB gene. It is expected to result in an absent or disrupted protein product. Loss-of-function variants in PIGB are known to be pathogenic (PMID: 31256876, 34400385). This variant is present in population databases (no rsID available, gnomAD 0.007%). This variant has not been reported in the literature in individuals affected with PIGB-related conditions. For these reasons, this variant has been classified as Pathogenic.

Literature cited by the submitters: PubMed 31256876 (cited by Labcorp Genetics (formerly Invitae), Labcorp); PubMed 34400385 (cited by Labcorp Genetics (formerly Invitae), Labcorp).